The following is an entry in ClinVar:

NM_000293.3(PHKB):c.2624G>A (p.Arg875Gln)

Gene: PHKB (phosphorylase kinase regulatory subunit beta; plus strand). Cytogenetic location: 16q12.1.
Variant type: single nucleotide variant.
Coding change: c.2624G>A on transcript NM_000293.3 (MANE Select); coding-DNA position 2624, G replaced by A.
Protein change: p.Arg875Gln; replaces arginine 875 with glutamine.
Molecular consequence: missense variant.
Genome position (GRCh38, 1-based): chr16:47,669,411, G>A. VCF-style: chr16-47669411-G-A. GRCh37 (hg19) VCF-style: chr16-47703322-G-A.
Other names: c.2603G>A, p.Arg868Gln (NM_001031835.3); c.2624G>A, p.Arg875Gln (NM_001363837.1); short protein forms R875Q, R868Q.
Identifiers: ClinVar variation 1955917 (VCV001955917.2), dbSNP rs774459319, ClinGen allele CA8041282.
Genomic context (GRCh38, chr16:47,669,411, plus strand): 5'-TCCATATTGGCTGGATCATCTCCAATAACCCTGAGTTATTCAGTGGCATGCTGAAAATAC[G>A]AATCGGGTGAGTGAAGTCCTTTGCATTTGCATAAAGAGAATTGTTCAAGTTGTCCTCTAA-3'
Protein context (NP_000284.1, residues 865-885): PELFSGMLKI[Arg875Gln]IGWIIHAMEY

ClinVar aggregate classification (germline): Uncertain significance (1 of 4 stars; one submission).

Conditions:
Glycogen storage disease IXb (GSD9B). Also called: PHOSPHORYLASE KINASE DEFICIENCY OF LIVER AND MUSCLE, AUTOSOMAL RECESSIVE; GLYCOGENOSIS OF LIVER AND MUSCLE, AUTOSOMAL RECESSIVE; GSD IXb. Identifiers: Orphanet 79240, MedGen C0543514, MONDO:0009868, OMIM 261750.

Allele frequency attached by ClinVar (database versions not stated): TOPMed below 0.00001; ExAC 0.00001.
gnomAD v4.1: 3 of 1,613,856 alleles (0.00019%); highest among the groups gnomAD compares: Admixed American, 0.0017%; no homozygotes.

Submission:

Labcorp Genetics (formerly Invitae), Labcorp
Classification: Uncertain significance for Glycogen storage disease IXb. Last evaluated: 2022-01-07. Review status: criteria provided, single submitter. Criteria: Invitae Variant Classification Sherloc (09022015). Collection method: clinical testing. Allele origin: germline.
Comment: This sequence change replaces arginine, which is basic and polar, with glutamine, which is neutral and polar, at codon 875 of the PHKB protein (p.Arg875Gln). This variant is present in population databases (rs774459319, gnomAD 0.003%). This variant has not been reported in the literature in individuals affected with PHKB-related conditions. Algorithms developed to predict the effect of missense changes on protein structure and function (SIFT, PolyPhen-2, Align-GVGD) all suggest that this variant is likely to be disruptive. In summary, the available evidence is currently insufficient to determine the role of this variant in disease. Therefore, it has been classified as a Variant of Uncertain Significance.